The following is an entry in ClinVar:

NM_000100.4(CSTB):c.274C>T (p.His92Tyr)

Gene: CSTB (cystatin B; minus strand). Cytogenetic location: 21q22.3.
Variant type: single nucleotide variant.
Coding change: c.274C>T on transcript NM_000100.4 (MANE Select); coding-DNA position 274, C replaced by T.
Protein change: p.His92Tyr; replaces histidine 92 with tyrosine.
Molecular consequence: missense variant.
Genome position (GRCh38, 1-based): chr21:43,774,225, G>A on the plus strand (C>T on the coding strand, the complement: CSTB is on the minus strand). VCF-style: chr21-43774225-G-A. GRCh37 (hg19) VCF-style: chr21-45194106-G-A.
Other names: p.H92Y:CAT>TAT; short protein forms H92Y.
Identifiers: ClinVar variation 205329 (VCV000205329.9), dbSNP rs796052393, ClinGen allele CA314298.
Genomic context (GRCh38, chr21:43,774,225, plus strand): 5'-CAGTCTTCTGGCTGAAGGGCCTTGTCCAAAGTCAGGATCAGAAATAGGTCAGCTCATCAT[G>A]CTTGGCTTTGTTGGTCTGGTAGTTAGATAAGGTCAAGGGCTTGTTTTCATGAGGGAGAGA-3'
Protein context (NP_000091.1, residues 82-98): LSNYQTNKAK[His92Tyr]DELTYF

ClinVar aggregate classification (germline): Uncertain significance. Review status: criteria provided, multiple submitters, no conflicts (2 of 4 stars). 2 submissions from 2 submitters: Uncertain significance (2). Last evaluated 2022-04-16.

Conditions:
Progressive myoclonic epilepsy. Also called: Myoclonic Epilepsies, Progressive; Familial progressive myoclonic epilepsy; Myoclonus epilepsy; Progressive myoclonus epilepsy. Identifiers: Orphanet 308, Orphanet 98261, MedGen C0751778, MONDO:0020074.

Allele frequency attached by ClinVar (database versions not stated): gnomAD exomes below 0.00001 and 0.00001; TOPMed below 0.00001; gnomAD 0.00001.

Submissions (2):

Labcorp Genetics (formerly Invitae), Labcorp
Classification: Uncertain significance for Progressive myoclonic epilepsy. Last evaluated: 2022-04-16. Review status: criteria provided, single submitter. Criteria: Invitae Variant Classification Sherloc (09022015). Collection method: clinical testing. Allele origin: germline.
Comment: This sequence change replaces histidine, which is basic and polar, with tyrosine, which is neutral and polar, at codon 92 of the CSTB protein (p.His92Tyr). This variant is present in population databases (rs796052393, gnomAD 0.009%). This variant has not been reported in the literature in individuals affected with CSTB-related conditions. ClinVar contains an entry for this variant (Variation ID: 205329). Algorithms developed to predict the effect of missense changes on protein structure and function are either unavailable or do not agree on the potential impact of this missense change (SIFT: "Tolerated"; PolyPhen-2: "Possibly Damaging"; Align-GVGD: "Class C0"). Algorithms developed to predict the effect of sequence changes on RNA splicing suggest that this variant may create or strengthen a splice site. In summary, the available evidence is currently insufficient to determine the role of this variant in disease. Therefore, it has been classified as a Variant of Uncertain Significance.

GeneDx
Classification: Uncertain significance. Last evaluated: 2013-06-03. Review status: criteria provided, single submitter. Criteria: GeneDx Variant Classification (06012015). Collection method: clinical testing. Allele origin: germline. Affected: yes.
Comment: p.His92Tyr (CAT>TAT): c.274 C>T in exon 3 of the CSTB gene (NM_000100.2). The His92Tyr missense change has not been published as a mutation, nor has it been reported as a benign polymorphism to our knowledge. It was not observed in approximately 6,500 individuals of European and African American ancestry in the NHLBI Exome Sequencing Project, indicating it is not a common benign variant in these populations. This substitution alters a poorly conserved position in the protein. However, it results in the His92Tyr amino acid substitution, which is a non-conservative change since a positively charged Histidine residue is replaced by an uncharged Tyrosine residue, and multiple in silico algorithms predict His92Tyr may be damaging to protein structure/function. Therefore, based on the currently available information, it is unclear whether His92Tyr is a disease-causing mutation or a rare benign variant. The variant is found in CHILD-EPI panel(s).